The following is an entry in ClinVar:

ClinVar aggregate classification (germline): Uncertain significance (1 of 4 stars; one submission).

Conditions:
Inborn genetic diseases. Identifiers: MedGen C0950123, MeSH D030342.

Allele frequency attached by ClinVar (database versions not stated): TOPMed below 0.00001; gnomAD 0.00001.
gnomAD v4.1: 1 of 1,613,422 alleles (0.000062%); highest among the groups gnomAD compares: Non-Finnish European, 0.000085%; no homozygotes.

Submission:

Ambry Genetics
Classification: Uncertain significance for Inborn genetic diseases. Last evaluated: 2022-09-30. Review status: criteria provided, single submitter. Criteria: Ambry Variant Classification Scheme 2023. Collection method: clinical testing. Allele origin: germline.
Comment: The p.K697E variant (also known as c.2089A>G), located in coding exon 10 of the ATR gene, results from an A to G substitution at nucleotide position 2089. The lysine at codon 697 is replaced by glutamic acid, an amino acid with similar properties. This amino acid position is conserved. In addition, this alteration is predicted to be tolerated by in silico analysis. Since supporting evidence is limited at this time, the clinical significance of this alteration remains unclear.

NM_001184.4(ATR):c.2089A>G (p.Lys697Glu)

Gene: ATR (ATR checkpoint kinase; minus strand). Cytogenetic location: 3q23.
Variant type: single nucleotide variant.
Coding change: c.2089A>G on transcript NM_001184.4 (MANE Select); coding-DNA position 2089, A replaced by G.
Protein change: p.Lys697Glu; replaces lysine 697 with glutamic acid.
Molecular consequence: missense variant.
Genome position (GRCh38, 1-based): chr3:142,556,129, T>C on the plus strand (A>G on the coding strand, the complement: ATR is on the minus strand). VCF-style: chr3-142556129-T-C. GRCh37 (hg19) VCF-style: chr3-142274971-T-C.
Other names: c.1897A>G, p.Lys633Glu (NM_001354579.2); short protein forms K697E, K633E.
Identifiers: ClinVar variation 1785682 (VCV001785682.2), dbSNP rs2034663402, ClinGen allele CA354819025.